The following is an entry in ClinVar:

ClinVar aggregate classification (germline): Uncertain significance (1 of 4 stars; one submission).

Conditions:
Neuropathy, hereditary sensory and autonomic, type 2A (HSAN2A). Also called: MORVAN DISEASE; NEUROPATHY, CONGENITAL SENSORY; NEUROPATHY, HEREDITARY SENSORY RADICULAR, AUTOSOMAL RECESSIVE; NEUROPATHY, HEREDITARY SENSORY, TYPE IIA; NEUROPATHY, PROGRESSIVE SENSORY, OF CHILDREN; ACROOSTEOLYSIS, GIACCAI TYPE. Identifiers: Orphanet 970, MedGen C2752089, MONDO:0024309, OMIM 201300.
Generalized epilepsy with febrile seizures plus, type 7 (GEFSP7). Also called: GEFS+, TYPE 7. Identifiers: Orphanet 36387, MedGen C2751778, MONDO:0013470, OMIM 613863.

Submission:

Labcorp Genetics (formerly Invitae), Labcorp
Classification: Uncertain significance for Neuropathy, hereditary sensory and autonomic, type 2A; Generalized epilepsy with febrile seizures plus, type 7. Last evaluated: 2024-06-12. Review status: criteria provided, single submitter. Criteria: Invitae Variant Classification Sherloc (09022015). Collection method: clinical testing. Allele origin: germline.
Comment: This sequence change replaces asparagine, which is neutral and polar, with serine, which is neutral and polar, at codon 1040 of the SCN9A protein (p.Asn1040Ser). This variant is not present in population databases (gnomAD no frequency). This variant has not been reported in the literature in individuals affected with SCN9A-related conditions. Advanced modeling of protein sequence and biophysical properties (such as structural, functional, and spatial information, amino acid conservation, physicochemical variation, residue mobility, and thermodynamic stability) performed at Invitae indicates that this missense variant is not expected to disrupt SCN9A protein function with a negative predictive value of 95%. In summary, the available evidence is currently insufficient to determine the role of this variant in disease. Therefore, it has been classified as a Variant of Uncertain Significance.

NM_001365536.1(SCN9A):c.3152A>G (p.Asn1051Ser)

Genes: SCN9A (sodium voltage-gated channel alpha subunit 9; minus strand), SCN1A-AS1 (SCN1A and SCN9A antisense RNA 1; plus strand). Cytogenetic location: 2q24.3.
Variant type: single nucleotide variant.
Coding change: c.3152A>G on transcript NM_001365536.1 (MANE Select); coding-DNA position 3152, A replaced by G.
Protein change: p.Asn1051Ser; replaces asparagine 1051 with serine.
Molecular consequence: missense variant.
Genome position (GRCh38, 1-based): chr2:166,272,598, T>C on the plus strand (A>G on the coding strand, the complement: SCN9A is on the minus strand). VCF-style: chr2-166272598-T-C. GRCh37 (hg19) VCF-style: chr2-167129108-T-C.
Other names: c.3119A>G, p.Asn1040Ser (NM_002977.4); short protein forms N1040S, N1051S.
Identifiers: ClinVar variation 3756801 (VCV003756801.2).